The following is an entry in ClinVar:

ClinVar aggregate classification (germline): Pathogenic (1 of 4 stars; one submission).

Conditions:
Hereditary cancer-predisposing syndrome. Also called: Tumor predisposition; Hereditary neoplastic syndrome; Neoplastic Syndromes, Hereditary; Hereditary Cancer Syndrome. Identifiers: Orphanet 140162, MedGen C0027672, MeSH D009386, MONDO:0015356.

Submission:

Ambry Genetics
Classification: Pathogenic for Hereditary cancer-predisposing syndrome. Last evaluated: 2018-05-22. Review status: criteria provided, single submitter. Criteria: Ambry Variant Classification Scheme 2023. Collection method: clinical testing. Allele origin: germline.
Comment: The c.118delG pathogenic mutation, located in coding exon 1 of the RB1 gene, results from a deletion of one nucleotide at nucleotide position 118, causing a translational frameshift with a predicted alternate stop codon (p.E40Rfs*25). This alteration is expected to result in loss of function by premature protein truncation or nonsense-mediated mRNA decay. As such, this alteration is interpreted as a disease-causing mutation.

NM_000321.3(RB1):c.118del (p.Glu40fs)

Gene: RB1 (RB transcriptional corepressor 1; plus strand). Cytogenetic location: 13q14.2.
Variant type: Deletion.
Coding change: c.118del on transcript NM_000321.3 (MANE Select); coding-DNA position 118, one base deleted (G; older notation c.118delG).
Protein change: p.Glu40fs; shifts the reading frame from glutamic acid 40.
Molecular consequence: frameshift variant.
Genome position (GRCh38, 1-based): chr13:48,304,030, G deleted; the last of 2 consecutive G bases (chr13:48,304,029-48,304,030); deleting either gives the same sequence. VCF-style (leftmost placement, unchanged base first): chr13-48304028-CG-C. GRCh37 (hg19) VCF-style: chr13-48878164-CG-C.
Other names: short protein forms E40fs.
Identifiers: ClinVar variation 818546 (VCV000818546.4), dbSNP rs1593412261, ClinGen allele CA915948547.
Genomic context (GRCh38, chr13:48,304,028, plus strand): 5'-AACCCCCGGCACCGCCGCCGCCGCCCCCTCCTGAGGAGGACCCAGAGCAGGACAGCGGCC[CG>C]GAGGACCTGCCTCTCGTCAGGTGAGCGAGCAGAGCCGCCGTCGCCTCACGCGGGAAGGGC-3'